The following is an entry in ClinVar:

ClinVar aggregate classification (germline): Uncertain significance. Review status: criteria provided, multiple submitters, no conflicts (2 of 4 stars). 3 submissions from 3 submitters: Uncertain significance (3). Last evaluated 2025-10-23.

Conditions:
Hereditary cancer-predisposing syndrome. Also called: Tumor predisposition; Hereditary neoplastic syndrome; Neoplastic Syndromes, Hereditary; Hereditary Cancer Syndrome. Identifiers: Orphanet 140162, MedGen C0027672, MeSH D009386, MONDO:0015356.
Peutz-Jeghers syndrome (PJS). Also called: POLYPOSIS, HAMARTOMATOUS INTESTINAL; POLYPS-AND-SPOTS SYNDROME; Peutz-Jeghers polyposis; Periorificial lentiginosis syndrome. Identifiers: Orphanet 2869, MedGen C0031269, MeSH D010580, MONDO:0008280, OMIM 175200.

gnomAD v4.1: 1 of 1,613,334 alleles (0.000062%); no homozygotes.

Submissions (3):

Ambry Genetics
Classification: Uncertain significance for Hereditary cancer-predisposing syndrome. Last evaluated: 2025-10-23. Review status: criteria provided, single submitter. Criteria: Ambry Variant Classification Scheme 2023. Collection method: clinical testing. Allele origin: germline.
Comment: The c.291-3C>T intronic variant results from a C to T substitution 3 nucleotides upstream from coding exon 2 in the STK11 gene. This nucleotide position is not well conserved in available vertebrate species. In silico splice site analysis predicts that this alteration will not have any significant effect on splicing. Based on the available evidence, the clinical significance of this variant remains unclear.

All of Us Research Program, National Institutes of Health
Classification: Uncertain significance for Peutz-Jeghers syndrome. Last evaluated: 2024-04-25. Review status: criteria provided, single submitter. Criteria: ACMG Guidelines, 2015. Collection method: clinical testing. Allele origin: germline. Inheritance: Autosomal dominant inheritance. Observed: 1 variant allele, 1 heterozygote.
Comment: This variant causes a C to T nucleotide substitution at the -3 position of intron 1/9 of the STK11 gene. To our knowledge, RNA studies have not been reported for this variant. This variant has not been reported in individuals affected with STK11-related disorders in the literature. This variant has not been identified in the general population by the Genome Aggregation Database (gnomAD). The available evidence is insufficient to determine the role of this variant in disease conclusively. Therefore, this variant is classified as a Variant of Uncertain Significance.

This study involves interpretation of variants in research participants for the purpose of population health screening. Participant phenotype was not available at the time of variant classification. Additional details can be found in publication PMID: 35346344, PMCID: PMC8962531

Labcorp Genetics (formerly Invitae), Labcorp
Classification: Uncertain significance for Peutz-Jeghers syndrome. Last evaluated: 2018-11-01. Review status: criteria provided, single submitter. Criteria: Invitae Variant Classification Sherloc (09022015). Collection method: clinical testing. Allele origin: germline.
Comment: This sequence change falls in intron 1 of the STK11 gene. It does not directly change the encoded amino acid sequence of the STK11 protein, but it affects a nucleotide within the consensus splice site of the intron. This variant is not present in population databases (ExAC no frequency). This variant has not been reported in the literature in individuals with STK11-related disease. ClinVar contains an entry for this variant (Variation ID: 220927). Nucleotide substitutions within the consensus splice site are a relatively common cause of aberrant splicing (PMID: 17576681, 9536098). Algorithms developed to predict the effect of sequence changes on RNA splicing suggest that this variant is not likely to affect RNA splicing, but this prediction has not been confirmed by published transcriptional studies. In summary, the available evidence is currently insufficient to determine the role of this variant in disease. Therefore, it has been classified as a Variant of Uncertain Significance.

Literature cited by the submitters: PubMed 17576681 (cited by Labcorp Genetics (formerly Invitae), Labcorp); PubMed 9536098 (cited by Labcorp Genetics (formerly Invitae), Labcorp).

NM_000455.5(STK11):c.291-3C>T

Gene: STK11 (serine/threonine kinase 11; plus strand). Cytogenetic location: 19p13.3.
Variant type: single nucleotide variant.
Coding change: c.291-3C>T on transcript NM_000455.5 (MANE Select); 3 bases into the intron before coding-DNA position 291, C replaced by T.
Molecular consequence: intron variant.
Genome position (GRCh38, 1-based): chr19:1,218,414, C>T. VCF-style: chr19-1218414-C-T. GRCh37 (hg19) VCF-style: chr19-1218413-C-T.
Identifiers: ClinVar variation 220927 (VCV000220927.11), dbSNP rs864622697, ClinGen allele CA349161.